The following is an entry in ClinVar:

ClinVar aggregate classification (germline): Uncertain significance. Review status: criteria provided, multiple submitters, no conflicts (2 of 4 stars). 3 submissions from 3 submitters: Uncertain significance (3). Last evaluated 2023-10-10.

Conditions:
Nephronophthisis. Also called: Juvenile Nephronophthisis. Identifiers: Orphanet 655, MedGen C0687120, MONDO:0019005, HP:0000090.
Inborn genetic diseases. Identifiers: MedGen C0950123, MeSH D030342.
Renal-hepatic-pancreatic dysplasia 1 (RHPD1). Identifiers: MedGen C3715199, MONDO:0008833, OMIM 208540.
NPHP3-related Meckel-like syndrome. Also called: GOLDSTON SYNDROME; Meckel syndrome type 7. Identifiers: Orphanet 3032, MedGen C2673885, MONDO:0009966, OMIM 267010.
Nephronophthisis 3 (NPHP3). Also called: Adolescent nephronophthisis. Identifiers: Orphanet 655, MedGen C1858392, MONDO:0011456, OMIM 604387.

Allele frequency attached by ClinVar (database versions not stated): gnomAD exomes below 0.00001; ExAC 0.00001; gnomAD 0.00001; TOPMed 0.00001.
gnomAD v4.1: 2 of 1,613,564 alleles (0.00012%); highest among the groups gnomAD compares: African/African-American, 0.0027%; no homozygotes.

Submissions (3):

Ambry Genetics
Classification: Uncertain significance for Inborn genetic diseases. Last evaluated: 2023-10-10. Review status: criteria provided, single submitter. Criteria: Ambry Variant Classification Scheme 2023. Collection method: clinical testing. Allele origin: germline.

Fulgent Genetics
Classification: Uncertain significance for Renal-hepatic-pancreatic dysplasia 1; NPHP3-related Meckel-like syndrome; Nephronophthisis 3. Last evaluated: 2022-01-21. Review status: criteria provided, single submitter. Criteria: ACMG Guidelines, 2015. Collection method: clinical testing. Allele origin: unknown.

Labcorp Genetics (formerly Invitae), Labcorp
Classification: Uncertain significance for Nephronophthisis. Last evaluated: 2019-09-10. Review status: criteria provided, single submitter. Criteria: Invitae Variant Classification Sherloc (09022015). Collection method: clinical testing. Allele origin: germline.
Comment: In summary, the available evidence is currently insufficient to determine the role of this variant in disease. Therefore, it has been classified as a Variant of Uncertain Significance. Algorithms developed to predict the effect of missense changes on protein structure and function are either unavailable or do not agree on the potential impact of this missense change (SIFT: "Deleterious"; PolyPhen-2: "Probably Damaging"; Align-GVGD: "Class C0"). This variant has not been reported in the literature in individuals with NPHP3-related conditions. This variant is present in population databases (rs747876996, ExAC 0.01%). This sequence change replaces leucine with proline at codon 889 of the NPHP3 protein (p.Leu889Pro). The leucine residue is highly conserved and there is a moderate physicochemical difference between leucine and proline.

NM_153240.5(NPHP3):c.2666T>C (p.Leu889Pro)

Genes: NPHP3-ACAD11 (NPHP3-ACAD11 readthrough (NMD candidate); minus strand), NPHP3 (nephrocystin 3; minus strand). Cytogenetic location: 3q22.1.
Variant type: single nucleotide variant.
Coding change: c.2666T>C on transcript NM_153240.5 (MANE Select); coding-DNA position 2666, T replaced by C.
Protein change: p.Leu889Pro; replaces leucine 889 with proline.
Molecular consequence: missense variant. On other transcripts: non-coding transcript variant (1).
Genome position (GRCh38, 1-based): chr3:132,690,555, A>G on the plus strand (T>C on the coding strand, the complement: NPHP3 is on the minus strand). VCF-style: chr3-132690555-A-G. GRCh37 (hg19) VCF-style: chr3-132409399-A-G.
Other names: short protein forms L889P.
Identifiers: ClinVar variation 962339 (VCV000962339.11), dbSNP rs747876996, ClinGen allele CA2621957.
Genomic context (GRCh38, chr3:132,690,555, plus strand): 5'-TTCTGGGGAAAGATGTTCTATAATGTTTCTTACCTTTTATAAAGGTTTTGAGACACAAAG[A>G]GATTAAGAAGGCAATCATGCAGCTTCTGTTTACTTCCCTGCTGCTGAAAAAGCCACGGGA-3'
Protein context (NP_694972.3, residues 879-899): KQKLHDCLLN[Leu889Pro]FVSQNLYKRG